The following is an entry in ClinVar:

ClinVar aggregate classification (germline): Uncertain significance (1 of 4 stars; one submission).

Conditions:
Autosomal recessive ataxia, Beauce type. Also called: ATAXIA, RECESSIVE, OF BEAUCE; Spinocerebellar ataxia, autosomal recessive 8; SYNE1-Related Autosomal Recessive Cerebellar Ataxia; SYNE1 Deficiency. Identifiers: Orphanet 88644, MedGen C1853116, MONDO:0012549, OMIM 610743.
Emery-Dreifuss muscular dystrophy 4, autosomal dominant (EDMD4). Also called: EMERY-DREIFUSS MUSCULAR DYSTROPHY 4 WITH VARIABLE FEATURES. Identifiers: Orphanet 261, MedGen C2751807, MONDO:0013071, OMIM 612998.

Allele frequency attached by ClinVar (database versions not stated): gnomAD exomes below 0.00001 and 0.00001.
gnomAD v4.1: 3 of 1,614,184 alleles (0.00019%); highest among the groups gnomAD compares: Admixed American, 0.0033%; no homozygotes.

Submission:

Labcorp Genetics (formerly Invitae), Labcorp
Classification: Uncertain significance for Emery-Dreifuss muscular dystrophy 4, autosomal dominant; Autosomal recessive ataxia, Beauce type. Last evaluated: 2025-06-12. Review status: criteria provided, single submitter. Criteria: Invitae Variant Classification Sherloc (09022015). Collection method: clinical testing. Allele origin: germline.
Comment: This sequence change replaces aspartic acid, which is acidic and polar, with glycine, which is neutral and non-polar, at codon 4145 of the SYNE1 protein (p.Asp4145Gly). The frequency data for this variant in the population databases is considered unreliable, as metrics indicate poor data quality at this position in the gnomAD database. This variant has not been reported in the literature in individuals affected with SYNE1-related conditions. ClinVar contains an entry for this variant (Variation ID: 1018962). An algorithm developed to predict the effect of missense changes on protein structure and function (PolyPhen-2) suggests that this variant is likely to be tolerated. Algorithms developed to predict the effect of sequence changes on RNA splicing suggest that this variant may create or strengthen a splice site. In summary, the available evidence is currently insufficient to determine the role of this variant in disease. Therefore, it has been classified as a Variant of Uncertain Significance.

NM_182961.4(SYNE1):c.12647A>G (p.Asp4216Gly)

Gene: SYNE1 (spectrin repeat containing nuclear envelope protein 1; minus strand). Cytogenetic location: 6q25.2.
Variant type: single nucleotide variant.
Coding change: c.12647A>G on transcript NM_182961.4 (MANE Select); coding-DNA position 12647, A replaced by G.
Protein change: p.Asp4216Gly; replaces aspartic acid 4216 with glycine.
Molecular consequence: missense variant.
Genome position (GRCh38, 1-based): chr6:152,334,155, T>C on the plus strand (A>G on the coding strand, the complement: SYNE1 is on the minus strand). VCF-style: chr6-152334155-T-C. GRCh37 (hg19) VCF-style: chr6-152655290-T-C.
Other names: c.12434A>G, p.Asp4145Gly (NM_033071.5); short protein forms D4145G, D4216G.
Identifiers: ClinVar variation 1018962 (VCV001018962.8), dbSNP rs1363382711, ClinGen allele CA366106324.